The following is an entry in ClinVar:

ClinVar aggregate classification (germline): Uncertain significance. Review status: criteria provided, multiple submitters, no conflicts (2 of 4 stars). 3 submissions from 3 submitters: Uncertain significance (3). Last evaluated 2025-01-23.

Conditions:
Inborn genetic diseases. Identifiers: MedGen C0950123, MeSH D030342.

Allele frequency attached by ClinVar (database versions not stated): gnomAD exomes below 0.00001; TOPMed 0.00001.
gnomAD v4.1: 1 of 1,613,380 alleles (0.000062%); highest among the groups gnomAD compares: Admixed American, 0.0017%; no homozygotes.

Submissions (3):

Ambry Genetics
Classification: Uncertain significance for Inborn genetic diseases. Last evaluated: 2025-01-23. Review status: criteria provided, single submitter. Criteria: Ambry Variant Classification Scheme 2023. Collection method: clinical testing. Allele origin: germline.

Labcorp Genetics (formerly Invitae), Labcorp
Classification: Uncertain significance. Last evaluated: 2024-02-24. Review status: criteria provided, single submitter. Criteria: Invitae Variant Classification Sherloc (09022015). Collection method: clinical testing. Allele origin: germline.
Comment: This sequence change replaces phenylalanine, which is neutral and non-polar, with isoleucine, which is neutral and non-polar, at codon 150 of the KCNV2 protein (p.Phe150Ile). This variant is not present in population databases (gnomAD no frequency). This variant has not been reported in the literature in individuals affected with KCNV2-related conditions. ClinVar contains an entry for this variant (Variation ID: 1357575). Advanced modeling of protein sequence and biophysical properties (such as structural, functional, and spatial information, amino acid conservation, physicochemical variation, residue mobility, and thermodynamic stability) performed at Invitae indicates that this missense variant is expected to disrupt KCNV2 protein function with a positive predictive value of 80%. In summary, the available evidence is currently insufficient to determine the role of this variant in disease. Therefore, it has been classified as a Variant of Uncertain Significance.

Blueprint Genetics
Classification: Uncertain significance. Last evaluated: 2020-03-02. Review status: criteria provided, single submitter. Criteria: ACMG Guidelines, 2015. Collection method: clinical testing. Allele origin: germline.

NM_133497.4(KCNV2):c.448T>A (p.Phe150Ile)

Gene: KCNV2 (potassium voltage-gated channel modifier subfamily V member 2; plus strand). Cytogenetic location: 9p24.2.
Variant type: single nucleotide variant.
Coding change: c.448T>A on transcript NM_133497.4 (MANE Select); coding-DNA position 448, T replaced by A.
Protein change: p.Phe150Ile; replaces phenylalanine 150 with isoleucine.
Molecular consequence: missense variant.
Genome position (GRCh38, 1-based): chr9:2,718,187, T>A. VCF-style: chr9-2718187-T-A. GRCh37 (hg19) VCF-style: chr9-2718187-T-A.
Other names: c.448T>A (NM_133497.3); short protein forms F150I.
Identifiers: ClinVar variation 1357575 (VCV001357575.10), dbSNP rs1819776082, ClinGen allele CA372797044.
Genomic context (GRCh38, chr9:2,718,187, plus strand): 5'-ACCAGCCGCAGCCGCCAGCTAAGCCTGTGCGACGACTACGAGGAGCAGACAGACGAATAC[T>A]TCTTCGACCGCGACCCGGCCGTCTTCCAGCTGGTCTACAATTTCTACCTGTCCGGGGTGC-3'
Protein context (NP_598004.1, residues 140-160): DDYEEQTDEY[Phe150Ile]FDRDPAVFQL